The following is an entry in ClinVar:

NM_001134407.3(GRIN2A):c.2647C>G (p.Pro883Ala)

Gene: GRIN2A (glutamate ionotropic receptor NMDA type subunit 2A; minus strand). Cytogenetic location: 16p13.2.
Variant type: single nucleotide variant.
Coding change: c.2647C>G on transcript NM_001134407.3 (MANE Select); coding-DNA position 2647, C replaced by G.
Protein change: p.Pro883Ala; replaces proline 883 with alanine.
Molecular consequence: missense variant.
Genome position (GRCh38, 1-based): chr16:9,764,897, G>C on the plus strand (C>G on the coding strand, the complement: GRIN2A is on the minus strand). VCF-style: chr16-9764897-G-C. GRCh37 (hg19) VCF-style: chr16-9858754-G-C.
Other names: c.2647C>G, p.Pro883Ala (NM_000833.5, NM_001134408.2); short protein forms P883A.
Identifiers: ClinVar variation 1375731 (VCV001375731.6), dbSNP rs770982536, ClinGen allele CA7896452.
Genomic context (GRCh38, chr16:9,764,897, plus strand): 5'-TTTTGGCTGACCGGAGGAGTTTTAACATGTTGCTCTGGGATCCCGTCAGATTGAAGTCTG[G>C]AGACTTCTTCTTTTCTTCAATGTGCACTCCATGAATGCAGCTGTAGATGCCCTGTAGGGG-3'
Protein context (NP_001127879.1, residues 873-893): GVHIEEKKKS[Pro883Ala]DFNLTGSQSN

ClinVar aggregate classification (germline): Uncertain significance (1 of 4 stars; one submission).

Conditions:
Landau-Kleffner syndrome (FESD). Also called: APHASIA, ACQUIRED, WITH EPILEPSY; EPILEPSY, FOCAL, WITH SPEECH DISORDER AND WITH OR WITHOUT MENTAL RETARDATION. Identifiers: Orphanet 1945, Orphanet 725, Orphanet 98818, MedGen C0282512, MONDO:0009509, OMIM 245570.

Allele frequency attached by ClinVar (database versions not stated): ExAC 0.00001; gnomAD exomes 0.00001; TOPMed below 0.00001.
gnomAD v4.1: 73 of 1,613,820 alleles (0.0045%); highest among the groups gnomAD compares: Non-Finnish European, 0.0061%; no homozygotes.

Submission:

Labcorp Genetics (formerly Invitae), Labcorp
Classification: Uncertain significance for Landau-Kleffner syndrome. Last evaluated: 2025-04-08. Review status: criteria provided, single submitter. Criteria: Invitae Variant Classification Sherloc (09022015). Collection method: clinical testing. Allele origin: germline.
Comment: This sequence change replaces proline, which is neutral and non-polar, with alanine, which is neutral and non-polar, at codon 883 of the GRIN2A protein (p.Pro883Ala). This variant is present in population databases (rs770982536, gnomAD 0.003%). This variant has not been reported in the literature in individuals affected with GRIN2A-related conditions. ClinVar contains an entry for this variant (Variation ID: 1375731). Invitae Evidence Modeling of protein sequence and biophysical properties (such as structural, functional, and spatial information, amino acid conservation, physicochemical variation, residue mobility, and thermodynamic stability) indicates that this missense variant is not expected to disrupt GRIN2A protein function with a negative predictive value of 95%. In summary, the available evidence is currently insufficient to determine the role of this variant in disease. Therefore, it has been classified as a Variant of Uncertain Significance.